The following is an entry in ClinVar:

NM_144997.7(FLCN):c.558G>A (p.Trp186Ter)

Gene: FLCN (folliculin; minus strand). Cytogenetic location: 17p11.2.
Variant type: single nucleotide variant.
Coding change: c.558G>A on transcript NM_144997.7 (MANE Select); coding-DNA position 558, G replaced by A.
Protein change: p.Trp186Ter; replaces tryptophan 186 with a stop codon.
Molecular consequence: nonsense.
Genome position (GRCh38, 1-based): chr17:17,223,982, C>T on the plus strand (G>A on the coding strand, the complement: FLCN is on the minus strand). VCF-style: chr17-17223982-C-T. GRCh37 (hg19) VCF-style: chr17-17127296-C-T.
Other names: c.612G>A, p.Trp204Ter (NM_001353229.2); c.558G>A, p.Trp186Ter (NM_001353230.2, NM_001353231.2, NM_144606.7); short protein forms W186*, W204*.
Identifiers: ClinVar variation 1074043 (VCV001074043.5), dbSNP rs1185698194, ClinGen allele CA398534292.

ClinVar aggregate classification (germline): Pathogenic (1 of 4 stars; one submission).

Conditions:
Birt-Hogg-Dube syndrome. Also called: Birt Hogg Dubé syndrome. Identifiers: Orphanet 122, MedGen C0346010, MONDO:0800444.

Submission:

Labcorp Genetics (formerly Invitae), Labcorp
Classification: Pathogenic for Birt-Hogg-Dube syndrome. Last evaluated: 2023-01-21. Review status: criteria provided, single submitter. Criteria: Invitae Variant Classification Sherloc (09022015). Collection method: clinical testing. Allele origin: germline.
Comment: For these reasons, this variant has been classified as Pathogenic. ClinVar contains an entry for this variant (Variation ID: 1074043). This variant has not been reported in the literature in individuals affected with FLCN-related conditions. This variant is not present in population databases (gnomAD no frequency). This sequence change creates a premature translational stop signal (p.Trp186*) in the FLCN gene. It is expected to result in an absent or disrupted protein product. Loss-of-function variants in FLCN are known to be pathogenic (PMID: 15852235).

Literature cited by the submitters: PubMed 15852235.